The following is an entry in ClinVar:

NM_000313.4(PROS1):c.1324-3T>G

Gene: PROS1 (protein S; minus strand). Cytogenetic location: 3q11.1.
Variant type: single nucleotide variant.
Coding change: c.1324-3T>G on transcript NM_000313.4 (MANE Select); 3 bases into the intron before coding-DNA position 1324, T replaced by G.
Molecular consequence: intron variant.
Genome position (GRCh38, 1-based): chr3:93,884,899, A>C on the plus strand (T>G on the coding strand, the complement: PROS1 is on the minus strand). VCF-style: chr3-93884899-A-C. GRCh37 (hg19) VCF-style: chr3-93603743-A-C.
Other names: p.?; c.1324-3T>G (NM_000313.3); c.1420-3T>G (NM_001314077.2).
Identifiers: ClinVar variation 809513 (VCV000809513.18), dbSNP rs200270949, ClinGen allele CA2503205.

ClinVar aggregate classification (germline): Uncertain significance. Review status: criteria provided, multiple submitters, no conflicts (2 of 4 stars). 3 submissions from 3 submitters: Uncertain significance (2). 1 of the submissions does not count toward it. Last evaluated 2025-11-27.

Conditions:
Thrombophilia due to protein S deficiency, autosomal dominant (THPH5). Identifiers: Orphanet 26349, Orphanet 743, MedGen C3278211, MONDO:0012868, OMIM 612336. Disease mechanism: loss of function.
Thrombophilia due to protein S deficiency, autosomal recessive (THPH6). Identifiers: Orphanet 743, MedGen C3281092, MONDO:0013791, OMIM 614514. Disease mechanism: loss of function.

Allele frequency attached by ClinVar (database versions not stated): ExAC 0.00001; gnomAD 0.00005; gnomAD exomes 0.00001 and 0.00007; TOPMed 0.00003.
gnomAD v4.1: 102 of 1,611,122 alleles (0.0063%); highest among the groups gnomAD compares: Non-Finnish European, 0.0084%; no homozygotes.

Submissions (3):

Labcorp Genetics (formerly Invitae), Labcorp
Classification: Uncertain significance for Thrombophilia due to protein S deficiency, autosomal recessive. Last evaluated: 2025-11-27. Review status: criteria provided, single submitter. Criteria: Invitae Variant Classification Sherloc (09022015). Collection method: clinical testing. Allele origin: germline.
Comment: This sequence change falls in intron 11 of the PROS1 gene. It does not directly change the encoded amino acid sequence of the PROS1 protein. It affects a nucleotide within the consensus splice site. This variant is present in population databases (rs200270949, gnomAD 0.002%). This variant has been observed in individual(s) with PROS1-related conditions (PMID: 15147381, 20421270). ClinVar contains an entry for this variant (Variation ID: 809513). Variants that disrupt the consensus splice site are a relatively common cause of aberrant splicing (PMID: 17576681, 9536098). Algorithms developed to predict the effect of sequence changes on RNA splicing suggest that this variant may disrupt the consensus splice site. In summary, the available evidence is currently insufficient to determine the role of this variant in disease. Therefore, it has been classified as a Variant of Uncertain Significance.

Mayo Clinic Laboratories, Mayo Clinic
Classification: Uncertain significance. Last evaluated: 2022-07-08. Review status: criteria provided, single submitter. Criteria: ACMG Guidelines, 2015. Collection method: clinical testing. Allele origin: germline. Observed: 2 variant alleles.
Comment: PM2

Department of Transfusion Medicine and Hemostaseology, University Hospital Erlangen
Classification: Uncertain significance for Thrombophilia due to protein S deficiency, autosomal dominant. Last evaluated: 2025-09-01. Review status: no assertion criteria provided. Collection method: clinical testing. Allele origin: germline. Not counted in ClinVar's aggregate classification.
Comment: This variant was identified during a screening of patients with suspected hereditary Protein S deficiency. It has been insufficiently described in the literature (PMID: 15147381) and has not been characterized in vitro. According to dbSNP it represents a very rare genetic alteration, previously not detected in the European population according to the Allele Frequency Aggregator dataset. Several in silico variant effect prediction tools (varSEAK, SpliceAI, CAPICE) classify this variant as likely pathogenic. Taken together, we classified this variant as of uncertain significance.

Literature cited by the submitters: PubMed 15147381 (cited by Labcorp Genetics (formerly Invitae), Labcorp and Department of Transfusion Medicine and Hemostaseology, University Hospital Erlangen); PubMed 20421270 (cited by Labcorp Genetics (formerly Invitae), Labcorp); PubMed 17576681 (cited by Labcorp Genetics (formerly Invitae), Labcorp); PubMed 9536098 (cited by Labcorp Genetics (formerly Invitae), Labcorp).